The following is an entry in ClinVar:

ClinVar aggregate classification (germline): Uncertain significance (1 of 4 stars; one submission).

Submission:

Dasa
Classification: Uncertain significance. Last evaluated: 2026-04-22. Review status: criteria provided, single submitter. Criteria: DASA Assertion Criteria. Collection method: clinical testing. Allele origin: germline.
Comment: NM_021957.4(GYS2):c.638T>A (p.Leu213His) is a missense variant that results in the substitution of leucine with histidine. This variant is rare in population databases. Computational prediction algorithms are consistent with a deleterious effect. The currently available literature and clinical evidence are not sufficient to establish a definitive association between this variant and the reported condition. Therefore, this variant is classified as a variant of uncertain significance.

NM_021957.4(GYS2):c.638T>A (p.Leu213His)

Gene: GYS2 (glycogen synthase 2; minus strand). Cytogenetic location: 12p12.1.
Variant type: single nucleotide variant.
Coding change: c.638T>A on transcript NM_021957.4 (MANE Select); coding-DNA position 638, T replaced by A.
Protein change: p.Leu213His; replaces leucine 213 with histidine.
Molecular consequence: missense variant.
Genome position (GRCh38, 1-based): chr12:21,574,184, A>T on the plus strand (T>A on the coding strand, the complement: GYS2 is on the minus strand). VCF-style: chr12-21574184-A-T. GRCh37 (hg19) VCF-style: chr12-21727118-A-T.
Other names: short protein forms L213H.
Identifiers: ClinVar variation 4882782 (VCV004882782.2).